The following is an entry in ClinVar:

ClinVar aggregate classification (germline): Likely benign (1 of 4 stars; one submission).

Submission:

CeGaT Center for Human Genetics Tuebingen
Classification: Likely benign. Last evaluated: 2024-04-01. Review status: criteria provided, single submitter. Criteria: CeGaT Center For Human Genetics Tuebingen Variant Classification Criteria Version 2. Collection method: clinical testing. Allele origin: germline. Affected: yes. Observed: 1 variant allele.
Comment: SHANK3: PM2:Supporting, BP4, BP7

NM_001372044.2(SHANK3):c.5394C>A (p.Arg1798=)

Gene: SHANK3 (SH3 and multiple ankyrin repeat domains 3; plus strand). Cytogenetic location: 22q13.33.
Variant type: single nucleotide variant.
Coding change: c.5394C>A on transcript NM_001372044.2 (MANE Select); coding-DNA position 5394, C replaced by A.
Protein change: p.Arg1798=; no amino-acid change (arginine 1798 retained).
Molecular consequence: synonymous variant.
Genome position (GRCh38, 1-based): chr22:50,731,285, C>A. VCF-style: chr22-50731285-C-A. GRCh37 (hg19) VCF-style: chr22-51169713-C-A.
Other names: c.5169C>A, p.Arg1723= (NM_033517.1).
Identifiers: ClinVar variation 3234669 (VCV003234669.20), dbSNP rs2518439986, ClinGen allele CA515268211.
Genomic context (GRCh38, chr22:50,731,285, plus strand): 5'-CAAGGACGACTTCGTGGAGCTGGGCGTCACGCGCGTGGGCCACCGCATGAACATCGAGCG[C>A]GCGCTCAGGCAGCTGGACGGCAGCTGACGCCCCACCCCCACTCCCGCCCCGGCCGTGCCC-3'
Protein context (NP_001358973.1, residues 1788-1806): TRVGHRMNIE[Arg1798=]ALRQLDGS